The following is an entry in ClinVar:

ClinVar aggregate classification (germline): Uncertain significance (1 of 4 stars; one submission).

Conditions:
Charcot-Marie-Tooth disease type 4. Also called: Charcot-Marie-Tooth disease, type IV; Charcot-Marie-Tooth, Type 4. Identifiers: Orphanet 64749, MedGen C4082197, MONDO:0018995.

Submission:

Labcorp Genetics (formerly Invitae), Labcorp
Classification: Uncertain significance for Charcot-Marie-Tooth disease type 4. Last evaluated: 2022-08-19. Review status: criteria provided, single submitter. Criteria: Invitae Variant Classification Sherloc (09022015). Collection method: clinical testing. Allele origin: germline.
Comment: This sequence change replaces isoleucine, which is neutral and non-polar, with valine, which is neutral and non-polar, at codon 227 of the MTMR2 protein (p.Ile227Val). This variant is not present in population databases (gnomAD no frequency). This variant has not been reported in the literature in individuals affected with MTMR2-related conditions. Advanced modeling of protein sequence and biophysical properties (such as structural, functional, and spatial information, amino acid conservation, physicochemical variation, residue mobility, and thermodynamic stability) performed at Invitae indicates that this missense variant is expected to disrupt MTMR2 protein function. In summary, the available evidence is currently insufficient to determine the role of this variant in disease. Therefore, it has been classified as a Variant of Uncertain Significance.

NM_016156.6(MTMR2):c.679A>G (p.Ile227Val)

Gene: MTMR2 (myotubularin related protein 2; minus strand). Cytogenetic location: 11q21.
Variant type: single nucleotide variant.
Coding change: c.679A>G on transcript NM_016156.6 (MANE Select); coding-DNA position 679, A replaced by G.
Protein change: p.Ile227Val; replaces isoleucine 227 with valine.
Molecular consequence: missense variant.
Genome position (GRCh38, 1-based): chr11:95,850,725, T>C on the plus strand (A>G on the coding strand, the complement: MTMR2 is on the minus strand). VCF-style: chr11-95850725-T-C. GRCh37 (hg19) VCF-style: chr11-95583889-T-C.
Other names: c.463A>G, p.Ile155Val (NM_001243571.2, NM_201278.3, NM_201281.3); short protein forms I155V, I227V.
Identifiers: ClinVar variation 2167127 (VCV002167127.4), dbSNP rs2496509705, ClinGen allele CA382425942.